The following is an entry in ClinVar:

NM_000545.8(HNF1A):c.1302G>C (p.Leu434=)

Gene: HNF1A (HNF1 homeobox A; plus strand). Cytogenetic location: 12q24.31.
Variant type: single nucleotide variant.
Coding change: c.1302G>C on transcript NM_000545.8 (MANE Select); coding-DNA position 1302, G replaced by C.
Protein change: p.Leu434=; no amino-acid change (leucine 434 retained).
Molecular consequence: synonymous variant.
Genome position (GRCh38, 1-based): chr12:120,996,735, G>C. VCF-style: chr12-120996735-G-C. GRCh37 (hg19) VCF-style: chr12-121434538-G-C.
Other names: c.1302G>C, p.Leu434= (NM_001306179.2, NM_001406915.1).
Identifiers: ClinVar variation 3030239 (VCV003030239.2), dbSNP rs905017142, ClinGen allele CA244534511.

ClinVar aggregate classification (germline): Likely benign (0 of 4 stars; one submission).

Conditions:
HNF1A-related disorder. Also called: HNF1A-related condition.

Allele frequency attached by ClinVar (database versions not stated): gnomAD exomes below 0.00001; gnomAD 0.00001; TOPMed 0.00002.
gnomAD v4.1: 4 of 1,613,940 alleles (0.00025%); highest among the groups gnomAD compares: African/African-American, 0.0053%; no homozygotes.

Submission:

PreventionGenetics, part of Exact Sciences
Classification: Likely benign for HNF1A-related condition. Last evaluated: 2021-01-20. Review status: no assertion criteria provided. Collection method: clinical testing. Allele origin: germline.
Comment: This variant is classified as likely benign based on ACMG/AMP sequence variant interpretation guidelines (Richards et al. 2015 PMID: 25741868, with internal and published modifications).